The following is an entry in ClinVar:

NM_172107.4(KCNQ2):c.778C>T (p.His260Tyr)

Gene: KCNQ2 (potassium voltage-gated channel subfamily Q member 2; minus strand). Cytogenetic location: 20q13.33.
Variant type: single nucleotide variant.
Coding change: c.778C>T on transcript NM_172107.4 (MANE Select); coding-DNA position 778, C replaced by T.
Protein change: p.His260Tyr; replaces histidine 260 with tyrosine.
Molecular consequence: missense variant.
Genome position (GRCh38, 1-based): chr20:63,442,444, G>A on the plus strand (C>T on the coding strand, the complement: KCNQ2 is on the minus strand). VCF-style: chr20-63442444-G-A. GRCh37 (hg19) VCF-style: chr20-62073797-G-A.
Other names: c.778C>T, p.His260Tyr (NM_004518.6, NM_172106.3, NM_172108.5 and 1 more transcripts); short protein forms H260Y.
Identifiers: ClinVar variation 495248 (VCV000495248.10), dbSNP rs1555871832, ClinGen allele CA409653453.

ClinVar aggregate classification (germline): Pathogenic/Likely pathogenic. Review status: criteria provided, multiple submitters, no conflicts (2 of 4 stars). 2 submissions from 2 submitters: Pathogenic (1); Likely pathogenic (1). Last evaluated 2022-11-29.

Conditions:
Early-infantile DEE. Also called: Early infantile epileptic encephalopathy with suppression bursts; Early infantile epileptic encephalopathy; Ohtahara syndrome. Identifiers: Orphanet 1934, MedGen C0393706, MONDO:0800491.
Developmental and epileptic encephalopathy, 7 (DEE7). Also called: Early infantile epileptic encephalopathy 7; KCNQ2-Related Neonatal-Onset Developmental and Epileptic Encephalopathy (NEO-DEE); KCNQ2-Related Neonatal Epileptic Encephalopathy. Identifiers: Orphanet 439218, MedGen C3150986, MONDO:0013387, OMIM 613720.

Submissions (2):

Labcorp Genetics (formerly Invitae), Labcorp
Classification: Pathogenic for Early-infantile DEE. Last evaluated: 2022-11-29. Review status: criteria provided, single submitter. Criteria: Invitae Variant Classification Sherloc (09022015). Collection method: clinical testing. Allele origin: germline.
Comment: This sequence change replaces histidine, which is basic and polar, with tyrosine, which is neutral and polar, at codon 260 of the KCNQ2 protein (p.His260Tyr). This variant is not present in population databases (gnomAD no frequency). This missense change has been observed in individual(s) with developmental and epileptic encephalopathy (PMID: 31780880). In at least one individual the variant was observed to be de novo. Advanced modeling of protein sequence and biophysical properties (such as structural, functional, and spatial information, amino acid conservation, physicochemical variation, residue mobility, and thermodynamic stability) performed at Invitae indicates that this missense variant is expected to disrupt KCNQ2 protein function. For these reasons, this variant has been classified as Pathogenic. ClinVar contains an entry for this variant (Variation ID: 495248).

NeuroMeGen, Hospital Clinico Santiago de Compostela
Classification: Likely pathogenic for Developmental and epileptic encephalopathy, 7. Last evaluated: 2018-01-01. Review status: criteria provided, single submitter. Criteria: ACMG Guidelines, 2015. Collection method: clinical testing. Allele origin: de novo. Affected: yes. Observed: 1 heterozygote.

Literature cited by the submitters: PubMed 31780880 (cited by Labcorp Genetics (formerly Invitae), Labcorp).